The following is an entry in ClinVar:

NM_015425.6(POLR1A):c.4442C>T (p.Thr1481Met)

Gene: POLR1A (RNA polymerase I subunit A; minus strand). Cytogenetic location: 2p11.2.
Variant type: single nucleotide variant.
Coding change: c.4442C>T on transcript NM_015425.6 (MANE Select); coding-DNA position 4442, C replaced by T.
Protein change: p.Thr1481Met; replaces threonine 1481 with methionine.
Molecular consequence: missense variant.
Genome position (GRCh38, 1-based): chr2:86,031,466, G>A on the plus strand (C>T on the coding strand, the complement: POLR1A is on the minus strand). VCF-style: chr2-86031466-G-A. GRCh37 (hg19) VCF-style: chr2-86258589-G-A.
Other names: short protein forms T1481M.
Identifiers: ClinVar variation 2169869 (VCV002169869.4), dbSNP rs200639447, ClinGen allele CA1745494.

ClinVar aggregate classification (germline): Uncertain significance (1 of 4 stars; one submission).

Allele frequency attached by ClinVar (database versions not stated): ExAC 0.00007; gnomAD 0.00007; ESP Exome Variant Server 0.00008; TOPMed 0.00008; gnomAD exomes 0.00013.
gnomAD v4.1: 196 of 1,614,034 alleles (0.012%); highest among the groups gnomAD compares: Non-Finnish European, 0.016%; no homozygotes.

Submission:

Labcorp Genetics (formerly Invitae), Labcorp
Classification: Uncertain significance. Last evaluated: 2023-09-23. Review status: criteria provided, single submitter. Criteria: Invitae Variant Classification Sherloc (09022015). Collection method: clinical testing. Allele origin: germline.
Comment: In summary, the available evidence is currently insufficient to determine the role of this variant in disease. Therefore, it has been classified as a Variant of Uncertain Significance. Advanced modeling of protein sequence and biophysical properties (such as structural, functional, and spatial information, amino acid conservation, physicochemical variation, residue mobility, and thermodynamic stability) performed at Invitae indicates that this missense variant is not expected to disrupt POLR1A protein function. ClinVar contains an entry for this variant (Variation ID: 2169869). This variant has not been reported in the literature in individuals affected with POLR1A-related conditions. This variant is present in population databases (rs200639447, gnomAD 0.02%). This sequence change replaces threonine, which is neutral and polar, with methionine, which is neutral and non-polar, at codon 1481 of the POLR1A protein (p.Thr1481Met).